The following is an entry in ClinVar:

NM_024675.4(PALB2):c.3494C>A (p.Ser1165Ter)

Gene: PALB2 (partner and localizer of BRCA2; minus strand). Cytogenetic location: 16p12.2.
Variant type: single nucleotide variant.
Coding change: c.3494C>A on transcript NM_024675.4 (MANE Select); coding-DNA position 3494, C replaced by A.
Protein change: p.Ser1165Ter; replaces serine 1165 with a stop codon.
Molecular consequence: nonsense.
Genome position (GRCh38, 1-based): chr16:23,603,526, G>T on the plus strand (C>A on the coding strand, the complement: PALB2 is on the minus strand). VCF-style: chr16-23603526-G-T. GRCh37 (hg19) VCF-style: chr16-23614847-G-T.
Other names: short protein forms S1165*.
Identifiers: ClinVar variation 530199 (VCV000530199.14), dbSNP rs773829275, ClinGen allele CA395137923.

ClinVar aggregate classification (germline): Pathogenic/Likely pathogenic. Review status: criteria provided, multiple submitters, no conflicts (2 of 4 stars). 5 submissions from 5 submitters: Pathogenic (2); Likely pathogenic (2). 1 of the submissions does not count toward it. Last evaluated 2023-09-15.

Conditions:
Breast and/or ovarian cancer. Identifiers: MedGen CN221562.
Familial cancer of breast. Also called: BREAST CANCER, FAMILIAL; Hereditary breast cancer; hereditary breast carcinoma. Identifiers: Orphanet 227535, MedGen C0346153, MONDO:0016419, OMIM 114480. Disease mechanism: loss of function.
Hereditary cancer-predisposing syndrome. Also called: Hereditary neoplastic syndrome; Neoplastic Syndromes, Hereditary; Hereditary Cancer Syndrome; Tumor predisposition. Identifiers: Orphanet 140162, MedGen C0027672, MeSH D009386, MONDO:0015356.

Submissions (5):

Myriad Genetics, Inc.
Classification: Pathogenic for Familial cancer of breast. Last evaluated: 2023-09-15. Review status: criteria provided, single submitter. Criteria: Myriad Autosomal Dominant, Autosomal Recessive and X-Linked Classification Criteria (2023). Collection method: clinical testing. Allele origin: unknown.
Comment: This variant is considered pathogenic. This variant creates a termination codon and is predicted to result in premature protein truncation.

Ambry Genetics
Classification: Likely pathogenic for Hereditary cancer-predisposing syndrome. Last evaluated: 2023-06-06. Review status: criteria provided, single submitter. Criteria: Ambry Variant Classification Scheme 2023. Collection method: clinical testing. Allele origin: germline.
Comment: The p.S1165* variant (also known as c.3494C>A), located in coding exon 13 of the PALB2 gene, results from a C to A substitution at nucleotide position 3494. This changes the amino acid from a serine to a stop codon within coding exon 13. This alteration occurs at the 3' terminus of thePALB2 gene, is not expected to trigger nonsense-mediated mRNA decay, and only impacts the last 22 amino acids of the protein. However, premature stop codons are typically deleterious in nature and the impacted region is critical for protein function (Ambry internal data). This variant is considered to be rare based on population cohorts in the Genome Aggregation Database (gnomAD). Based on the majority of available evidence to date, this variant is likely to be pathogenic.

Baylor Genetics
Classification: Likely pathogenic for Familial cancer of breast. Last evaluated: 2022-04-13. Review status: criteria provided, single submitter. Criteria: ACMG Guidelines, 2015. Collection method: clinical testing. Allele origin: unknown.

Labcorp Genetics (formerly Invitae), Labcorp
Classification: Pathogenic for Familial cancer of breast. Last evaluated: 2022-03-14. Review status: criteria provided, single submitter. Criteria: Invitae Variant Classification Sherloc (09022015). Collection method: clinical testing. Allele origin: germline.
Comment: This variant is not present in population databases (gnomAD no frequency). For these reasons, this variant has been classified as Pathogenic. This variant disrupts a region of the PALB2 protein in which other variant(s) (p.Tyr1183*) have been determined to be pathogenic (PMID: 17200668, 17200671, 19609323, 21365267, 22241545, 26315354). This suggests that this is a clinically significant region of the protein, and that variants that disrupt it are likely to be disease-causing. Algorithms developed to predict the effect of sequence changes on RNA splicing suggest that this variant may create or strengthen a splice site. ClinVar contains an entry for this variant (Variation ID: 530199). This variant has not been reported in the literature in individuals affected with PALB2-related conditions. This sequence change creates a premature translational stop signal (p.Ser1165*) in the PALB2 gene. While this is not anticipated to result in nonsense mediated decay, it is expected to disrupt the last 22 amino acid(s) of the PALB2 protein.

CZECANCA consortium
Classification: Pathogenic for Breast and/or ovarian cancer. Last evaluated: 2019-06-11. Review status: no assertion criteria provided. Collection method: case-control. Allele origin: germline. Affected: no. Observed: 1 variant allele. Not counted in ClinVar's aggregate classification.

Literature cited by the submitters: PubMed 17200668 (cited by Labcorp Genetics (formerly Invitae), Labcorp); PubMed 17200671 (cited by Labcorp Genetics (formerly Invitae), Labcorp); PubMed 19609323 (cited by Labcorp Genetics (formerly Invitae), Labcorp); PubMed 21365267 (cited by Labcorp Genetics (formerly Invitae), Labcorp); PubMed 22241545 (cited by Labcorp Genetics (formerly Invitae), Labcorp); PubMed 26315354 (cited by Labcorp Genetics (formerly Invitae), Labcorp); PubMed 32295079 (cited by CZECANCA consortium).